The following is an entry in ClinVar:

ClinVar aggregate classification (germline): Uncertain significance (1 of 4 stars; one submission).

Conditions:
Inborn genetic diseases. Identifiers: MedGen C0950123, MeSH D030342.

gnomAD v4.1: 2 of 1,613,622 alleles (0.00012%); highest among the groups gnomAD compares: Non-Finnish European, 0.00017%; no homozygotes.

Submission:

Ambry Genetics
Classification: Uncertain significance for Inborn genetic diseases. Last evaluated: 2026-05-14. Review status: criteria provided, single submitter. Criteria: Ambry Variant Classification Scheme 2023. Collection method: clinical testing. Allele origin: germline.
Comment: The p.S340P variant (also known as c.1018T>C), located in coding exon 1 of the SAMD9L gene, results from a T to C substitution at nucleotide position 1018. The serine at codon 340 is replaced by proline, an amino acid with similar properties. This amino acid position is conserved. In addition, this alteration is predicted to be tolerated by in silico analysis. Based on the available evidence, the clinical significance of this variant remains unclear.

NM_152703.5(SAMD9L):c.1018T>C (p.Ser340Pro)

Gene: SAMD9L (sterile alpha motif domain containing 9 like; minus strand). Cytogenetic location: 7q21.2.
Variant type: single nucleotide variant.
Coding change: c.1018T>C on transcript NM_152703.5 (MANE Select); coding-DNA position 1018, T replaced by C.
Protein change: p.Ser340Pro; replaces serine 340 with proline.
Molecular consequence: missense variant.
Genome position (GRCh38, 1-based): chr7:93,134,954, A>G on the plus strand (T>C on the coding strand, the complement: SAMD9L is on the minus strand). VCF-style: chr7-93134954-A-G. GRCh37 (hg19) VCF-style: chr7-92764267-A-G.
Other names: c.1018T>C, p.Ser340Pro (NM_001350085.2, NM_001303496.3, NM_001303497.3 and 5 more transcripts); short protein forms S340P.
Identifiers: ClinVar variation 4863989 (VCV004863989.1).
Genomic context (GRCh38, chr7:93,134,954, plus strand): 5'-CCCGTTGCTTGGAATTGGCCAGGATATCCCTAGAGCTAGCCCCTTCTCTTACAAACAGTG[A>G]AAGATTTTGGTTTTGTTTCCATATTTTATCTTTACAAATTTGCATCTGAATGTAGAAATA-3'
Protein context (NP_689916.2, residues 330-350): DKIWKQNQNL[Ser340Pro]LFVREGASSR